The following is an entry in ClinVar:

ClinVar aggregate classification (germline): Benign/Likely benign. Review status: criteria provided, multiple submitters, no conflicts (2 of 4 stars). 2 submissions from 2 submitters: Benign (1); Likely benign (1). Last evaluated 2026-02-06.

Conditions:
FOXA2-related disorder. Also called: FOXA2-related condition.

Allele frequency attached by ClinVar (database versions not stated): gnomAD 0.00017 and 0.00025; gnomAD exomes 0.00020 and 0.00075; TOPMed 0.00045; ExAC 0.00069; 1000 Genomes Project 30x 0.00125; 1000 Genomes Project 0.00160.

Submissions (2):

PreventionGenetics, part of Exact Sciences
Classification: Likely benign for FOXA2-related condition. Last evaluated: 2026-02-06. Review status: criteria provided, single submitter. Criteria: ACMG Guidelines, 2015. Collection method: clinical testing. Allele origin: germline.
Comment: This variant is classified as likely benign based on ACMG/AMP sequence variant interpretation guidelines (Richards et al. 2015 PMID: 25741868, with internal and published modifications).

Labcorp Genetics (formerly Invitae), Labcorp
Classification: Benign. Last evaluated: 2024-03-20. Review status: criteria provided, single submitter. Criteria: Invitae Variant Classification Sherloc (09022015). Collection method: clinical testing. Allele origin: germline.

NM_021784.5(FOXA2):c.344G>A (p.Ser115Asn)

Gene: FOXA2 (forkhead box A2; minus strand). Cytogenetic location: 20p11.21.
Variant type: single nucleotide variant.
Coding change: c.344G>A on transcript NM_021784.5 (MANE Select); coding-DNA position 344, G replaced by A.
Protein change: p.Ser115Asn; replaces serine 115 with asparagine.
Molecular consequence: missense variant.
Genome position (GRCh38, 1-based): chr20:22,582,898, C>T on the plus strand (G>A on the coding strand, the complement: FOXA2 is on the minus strand). VCF-style: chr20-22582898-C-T. GRCh37 (hg19) VCF-style: chr20-22563536-C-T.
Other names: c.344G>A (NM_021784.4); c.326G>A, p.Ser109Asn (NM_153675.3); short protein forms S109N, S115N.
Identifiers: ClinVar variation 1599436 (VCV001599436.9), dbSNP rs200211848, ClinGen allele CA9787057.